The following is an entry in ClinVar:

NM_001005242.3(PKP2):c.921T>C (p.Ser307=)

Gene: PKP2 (plakophilin 2; minus strand). Cytogenetic location: 12p11.21.
Variant type: single nucleotide variant.
Coding change: c.921T>C on transcript NM_001005242.3 (MANE Select); coding-DNA position 921, T replaced by C.
Protein change: p.Ser307=; no amino-acid change (serine 307 retained).
Molecular consequence: synonymous variant.
Genome position (GRCh38, 1-based): chr12:32,877,959, A>G on the plus strand (T>C on the coding strand, the complement: PKP2 is on the minus strand). VCF-style: chr12-32877959-A-G. GRCh37 (hg19) VCF-style: chr12-33030893-A-G.
Other names: c.921T>C, p.Ser307= (NM_004572.4).
Identifiers: ClinVar variation 882258 (VCV000882258.18), dbSNP rs941328238, ClinGen allele CA235265972.

ClinVar aggregate classification (germline): Conflicting classifications of pathogenicity. Review status: criteria provided, conflicting classifications (1 of 4 stars). 5 submissions from 5 submitters: Uncertain significance (1); Likely benign (4). Last evaluated 2025-09-21.

Conditions:
Cardiovascular phenotype. Identifiers: MedGen CN230736.
Arrhythmogenic right ventricular cardiomyopathy (ARVD). Also called: Cardiomyopathy, ARVC; Arrhythmogenic right ventricular dysplasia; Arrhythmogenic cardiomyopathy; Arrhythmogenic Right Ventricular Cardiomyopathy (ARVC). Identifiers: Orphanet 247, MedGen C0349788, MeSH D019571, MONDO:0016587. Disease mechanism: loss of function. Inheritance: Various modes of inheritance.
Cardiomyopathy (CMYO). Also called: Cardiomyopathies. Identifiers: Orphanet 167848, MedGen C0878544, MONDO:0004994, HP:0001638. Inheritance: Various modes of inheritance.
Arrhythmogenic right ventricular dysplasia 9 (ARVD9). Also called: Arrhythmogenic Right Ventricular Dysplasia/Cardiomyopathy 9; ARRHYTHMOGENIC RIGHT VENTRICULAR DYSPLASIA, FAMILIAL, 9. Identifiers: MedGen C1836906, MONDO:0012180, OMIM 609040.

Allele frequency attached by ClinVar (database versions not stated): gnomAD 0.00001; gnomAD exomes 0.00001; TOPMed 0.00002.
gnomAD v4.1: 18 of 1,614,062 alleles (0.0011%); highest among the groups gnomAD compares: Middle Eastern, 0.016%; no homozygotes.

Submissions (5):

Labcorp Genetics (formerly Invitae), Labcorp
Classification: Likely benign for Arrhythmogenic right ventricular dysplasia 9. Last evaluated: 2025-09-21. Review status: criteria provided, single submitter. Criteria: Invitae Variant Classification Sherloc (09022015). Collection method: clinical testing. Allele origin: germline.

All of Us Research Program, National Institutes of Health
Classification: Likely benign for Arrhythmogenic right ventricular cardiomyopathy. Last evaluated: 2023-11-30. Review status: criteria provided, single submitter. Criteria: ACMG Guidelines, 2015. Collection method: clinical testing. Allele origin: germline. Inheritance: Autosomal dominant inheritance. Observed: 11 variant alleles, 11 heterozygotes.
Comment: This study involves interpretation of variants in research participants for the purpose of population health screening. Participant phenotype was not available at the time of variant classification. Additional details can be found in publication PMID: 35346344, PMCID: PMC8962531

Ambry Genetics
Classification: Likely benign for Cardiovascular phenotype. Last evaluated: 2019-07-23. Review status: criteria provided, single submitter. Criteria: Ambry Variant Classification Scheme 2023. Collection method: clinical testing. Allele origin: germline.

Color Diagnostics, LLC DBA Color Health
Classification: Likely benign for Cardiomyopathy. Last evaluated: 2019-07-15. Review status: criteria provided, single submitter. Criteria: ACMG Guidelines, 2015. Collection method: clinical testing. Allele origin: germline.

Illumina Laboratory Services, Illumina
Classification: Uncertain significance for Arrhythmogenic right ventricular dysplasia 9. Last evaluated: 2018-01-12. Review status: criteria provided, single submitter. Criteria: ICSL Variant Classification Criteria 13 December 2019. Collection method: clinical testing. Allele origin: germline.